The following is an entry in ClinVar:

NM_005050.4(ABCD4):c.956A>G (p.Tyr319Cys)

Gene: ABCD4 (ATP binding cassette subfamily D member 4; minus strand). Cytogenetic location: 14q24.3.
Variant type: single nucleotide variant.
Coding change: c.956A>G on transcript NM_005050.4 (MANE Select); coding-DNA position 956, A replaced by G.
Protein change: p.Tyr319Cys; replaces tyrosine 319 with cysteine.
Molecular consequence: missense variant. On other transcripts: non-coding transcript variant (10).
Genome position (GRCh38, 1-based): chr14:74,292,623, T>C on the plus strand (A>G on the coding strand, the complement: ABCD4 is on the minus strand). VCF-style: chr14-74292623-T-C. GRCh37 (hg19) VCF-style: chr14-74759326-T-C.
Other names: c.830A>G, p.Tyr277Cys (NM_001353591.2, NM_001353592.2); c.695A>G, p.Tyr232Cys (NM_001353593.2); c.644A>G, p.Tyr215Cys (NM_001353594.2); c.542A>G, p.Tyr181Cys (NM_001353595.2, NM_001353596.2); c.491A>G, p.Tyr164Cys (NM_001353597.2); c.479A>G, p.Tyr160Cys (NM_001353598.2, NM_001353599.2, NM_001353600.2 and 2 more transcripts); c.167A>G, p.Tyr56Cys (NM_001353602.2, NM_001353603.2, NM_001353604.2 and 6 more transcripts); c.956A>G, p.Tyr319Cys (NM_020325.3); short protein forms Y319C, Y160C, Y164C, Y215C, Y232C, Y181C, Y277C, Y56C.
Identifiers: ClinVar variation 37319 (VCV000037319.8), dbSNP rs201777056, ClinGen allele CA130166.
Genomic context (GRCh38, chr14:74,292,623, plus strand): 5'-CCAGCCACATCTGAGAGCGTCGTGGACAGGTCGATGAGCTGGGTGAAGCAGCTGATGAGG[T>C]AGATGCACACAAAGGCATTCTGGACAGGATGGGAAGAGGTCAAGCAGGTCTCGACTCGAG-3'
Protein context (NP_005041.1, residues 309-329): LVSKNAFVCI[Tyr319Cys]LISCFTQLID

ClinVar aggregate classification (germline): Conflicting classifications of pathogenicity. Review status: criteria provided, conflicting classifications (1 of 4 stars). 5 submissions from 5 submitters: Likely pathogenic (2); Uncertain significance (1). 2 of the submissions do not count toward it. Last evaluated 2024-01-09.

Conditions:
Methylmalonic acidemia with homocystinuria, type cblJ (MAHCJ). Also called: METHYLMALONIC ACIDURIA AND HOMOCYSTINURIA, cblJ TYPE. Identifiers: Orphanet 369955, MedGen C3553915, MONDO:0013925, OMIM 614857.
Cobalamin C disease. Also called: Methylmalonic aciduria and homocystinuria, Vitamin B12-responsive; Vitamin B12 metabolic defect with combined deficiency of methylmalonyl-CoA mutase and homocysteine:methyltetrahydrofolate methyltransferase; Cobalamin-C methylmalonic acidemia and homocystinuria; Methylmalonic acidemia and homocystinuria cblC type; methylmalonic aciduria and homocystinuria type cblC; Methylmalonic aciduria with homocystinuria cblC type. Identifiers: Orphanet 26, Orphanet 79282, MedGen C1848561, MONDO:0010184, OMIM 277400.

Allele frequency attached by ClinVar (database versions not stated): ExAC 0.00004; gnomAD 0.00008 and 0.00009; gnomAD exomes 0.00004; TOPMed 0.00006; ESP Exome Variant Server 0.00008.
gnomAD v4.1: 39 of 1,612,384 alleles (0.0024%); highest among the groups gnomAD compares: African/African-American, 0.011%; no homozygotes.

Submissions (5):

Fulgent Genetics
Classification: Likely pathogenic for Methylmalonic acidemia with homocystinuria, type cblJ. Last evaluated: 2024-01-09. Review status: criteria provided, single submitter. Criteria: ACMG Guidelines, 2015. Collection method: clinical testing. Allele origin: germline.

Women's Health and Genetics/Laboratory Corporation of America, LabCorp
Classification: Likely pathogenic for Cobalamin C disease. Last evaluated: 2022-05-26. Review status: criteria provided, single submitter. Criteria: LabCorp Variant Classification Summary - May 2015. Collection method: clinical testing. Allele origin: germline.
Comment: Variant summary: ABCD4 c.956A>G (p.Tyr319Cys) results in a non-conservative amino acid change in the encoded protein sequence. Five of five in-silico tools predict a damaging effect of the variant on protein function. The variant allele was found at a frequency of 3.6e-05 in 251364 control chromosomes. The available data on variant occurrences in the general population are insufficient to allow any conclusion about variant significance. c.956A>G has been reported in the literature in the compound heterozygous state in an individual who was affected with Methylmalonic Acidemia With Homocystinuria (Coelho_2012). In vitro experiments suggest that the variant does not impact protein localization, but that ATPase and cobalamin transport activities are lost compared to the wild-type ABCD4 protein (Kitai_2021). One clinical diagnostic laboratory has submitted clinical-significance assessments for this variant to ClinVar after 2014 without evidence for independent evaluation. One laboratory classified the variant as uncertain significance. Based on the evidence outlined above, the variant was classified as likely pathogenic.

Labcorp Genetics (formerly Invitae), Labcorp
Classification: Uncertain significance for Methylmalonic acidemia with homocystinuria, type cblJ. Last evaluated: 2021-08-26. Review status: criteria provided, single submitter. Criteria: Invitae Variant Classification Sherloc (09022015). Collection method: clinical testing. Allele origin: germline.

OMIM
Classification: Pathogenic for METHYLMALONIC ACIDURIA AND HOMOCYSTINURIA, cblJ TYPE. Last evaluated: 2012-10-01. Review status: no assertion criteria provided. Collection method: literature only. Allele origin: germline. Not counted in ClinVar's aggregate classification.

UniProtKB/Swiss-Prot
No classification provided. Review status: no classification provided. Collection method: not provided. Allele origin: not provided. Not counted in ClinVar's aggregate classification.

Literature cited by the submitters: PubMed 33845046 (cited by Women's Health and Genetics/Laboratory Corporation of America, LabCorp); PubMed 22922874 (cited by Women's Health and Genetics/Laboratory Corporation of America, LabCorp and OMIM).